The following is an entry in ClinVar:

NM_001145308.5(LRTOMT):c.69G>C (p.Leu23=)

Gene: LRTOMT (leucine rich transmembrane and O-methyltransferase domain containing; plus strand). Cytogenetic location: 11q13.4.
Variant type: single nucleotide variant.
Coding change: c.69G>C on transcript NM_001145308.5; coding-DNA position 69, G replaced by C.
Protein change: p.Leu23=; no amino-acid change (leucine 23 retained).
Molecular consequence: synonymous variant.
Genome position (GRCh38, 1-based): chr11:72,104,998, G>C. VCF-style: chr11-72104998-G-C. GRCh37 (hg19) VCF-style: chr11-71816044-G-C.
Other names: p.Leu23=; c.69G>C, p.Leu23= (NM_001145309.4, NM_001145310.4).
Identifiers: ClinVar variation 44042 (VCV000044042.18), dbSNP rs12272086, ClinGen allele CA133449.
Genomic context (GRCh38, chr11:72,104,998, plus strand): 5'-TCCTACCTCAGGGTTATCCCCCGCAGCAGGCCCTGGACTCCCCGACCTGTCCTGTGCTCT[G>C]GTCCTCCAGCCCAGGTAAGCAGGGCCCTGGATTGTGGGTTCCCAAGCTCACCAGTTCAAG-3'

ClinVar aggregate classification (germline): Benign/Likely benign. Review status: criteria provided, multiple submitters, no conflicts (2 of 4 stars). 7 submissions from 7 submitters: Benign (6); Likely benign (1). Last evaluated 2026-02-03.

Allele frequency attached by ClinVar (database versions not stated): gnomAD exomes 0.06815 and 0.03529; gnomAD 0.07159 and 0.07401; ExAC 0.07418; TOPMed 0.07995; 1000 Genomes Project 0.11741; 1000 Genomes Project 30x 0.11790; ESP Exome Variant Server 0.05848.

Submissions (7):

Labcorp Genetics (formerly Invitae), Labcorp
Classification: Benign. Last evaluated: 2026-02-03. Review status: criteria provided, single submitter. Criteria: Invitae Variant Classification Sherloc (09022015). Collection method: clinical testing. Allele origin: germline.

Mayo Clinic Laboratories, Mayo Clinic
Classification: Benign. Last evaluated: 2020-10-02. Review status: criteria provided, single submitter. Criteria: ACMG Guidelines, 2015. Collection method: clinical testing. Allele origin: germline. Observed: 11 variant alleles.

Athena Diagnostics
Classification: Benign. Last evaluated: 2018-08-10. Review status: criteria provided, single submitter. Criteria: Athena Diagnostics Criteria. Collection method: clinical testing. Allele origin: germline.

GeneDx
Classification: Benign. Last evaluated: 2017-05-09. Review status: criteria provided, single submitter. Criteria: GeneDx Variant Classification (06012015). Collection method: clinical testing. Allele origin: germline. Affected: yes.
Comment: This variant is considered likely benign or benign based on one or more of the following criteria: it is a conservative change, it occurs at a poorly conserved position in the protein, it is predicted to be benign by multiple in silico algorithms, and/or has population frequency not consistent with disease.

Laboratory for Molecular Medicine, Mass General Brigham Personalized Medicine
Classification: Benign. Last evaluated: 2012-05-07. Review status: criteria provided, single submitter. Criteria: LMM Criteria. Collection method: clinical testing. Allele origin: germline. Observed: 177 variant alleles.
Comment: "Leu23Leu in Exon 04 of LRTOMT: This variant is not expected to have clinical si gnificance because it does not alter an amino acid residue, is not located withi n the splice consensus sequence, and has been identified in 12.8% (90/702) of Af rican American chromosomes from a broad population by the NHLBI Exome Sequencing Project (dbSNP rs12272086)."

Breakthrough Genomics
Classification: Likely benign. Review status: criteria provided, single submitter. Criteria: ACMG Guidelines, 2015. Collection method: not provided. Allele origin: germline. Inheritance: Autosomal recessive inheritance. Affected: yes.

PreventionGenetics, part of Exact Sciences
Classification: Benign. Review status: criteria provided, single submitter. Criteria: ACMG Guidelines, 2015. Collection method: clinical testing. Allele origin: germline.